The following is an entry in ClinVar:

NM_000548.5(TSC2):c.2056T>A (p.Tyr686Asn)

Gene: TSC2 (TSC complex subunit 2; plus strand). Cytogenetic location: 16p13.3.
Variant type: single nucleotide variant.
Coding change: c.2056T>A on transcript NM_000548.5 (MANE Select); coding-DNA position 2056, T replaced by A.
Protein change: p.Tyr686Asn; replaces tyrosine 686 with asparagine.
Molecular consequence: missense variant.
Genome position (GRCh38, 1-based): chr16:2,071,893, T>A. VCF-style: chr16-2071893-T-A. GRCh37 (hg19) VCF-style: chr16-2121894-T-A.
Other names: c.2056T>A, p.Tyr686Asn (NM_001077183.3, NM_001114382.3, NM_001363528.2 and 3 more transcripts); c.1945T>A, p.Tyr649Asn (NM_001318827.2); c.1909T>A, p.Tyr637Asn (NM_001318829.2); c.1456T>A, p.Tyr486Asn (NM_001318831.2); c.2089T>A, p.Tyr697Asn (NM_001318832.2); short protein forms Y486N, Y637N, Y649N, Y686N, Y697N.
Identifiers: ClinVar variation 1466717 (VCV001466717.8), dbSNP rs2151307522, ClinGen allele CA394274615.

ClinVar aggregate classification (germline): Uncertain significance (1 of 4 stars; one submission).

Conditions:
Tuberous sclerosis 2 (TSC2). Identifiers: Orphanet 805, MedGen C1860707, MONDO:0013199, OMIM 613254.

Submission:

Labcorp Genetics (formerly Invitae), Labcorp
Classification: Uncertain significance for Tuberous sclerosis 2. Last evaluated: 2022-07-19. Review status: criteria provided, single submitter. Criteria: Invitae Variant Classification Sherloc (09022015). Collection method: clinical testing. Allele origin: germline.
Comment: In summary, the available evidence is currently insufficient to determine the role of this variant in disease. Therefore, it has been classified as a Variant of Uncertain Significance. Advanced modeling of protein sequence and biophysical properties (such as structural, functional, and spatial information, amino acid conservation, physicochemical variation, residue mobility, and thermodynamic stability) performed at Invitae indicates that this missense variant is not expected to disrupt TSC2 protein function. ClinVar contains an entry for this variant (Variation ID: 1466717). This variant has not been reported in the literature in individuals affected with TSC2-related conditions. This variant is not present in population databases (gnomAD no frequency). This sequence change replaces tyrosine, which is neutral and polar, with asparagine, which is neutral and polar, at codon 686 of the TSC2 protein (p.Tyr686Asn).